The following is an entry in ClinVar:

NM_000274.4(OAT):c.684_685insTATAAGAGACA (p.Val229fs)

Genes: OAT (ornithine aminotransferase; minus strand), LOC121815974 (Sharpr-MPRA regulatory region 15365; plus strand). Cytogenetic location: 10q26.13.
Variant type: Insertion.
Coding change: c.684_685insTATAAGAGACA on transcript NM_000274.4 (MANE Select); coding-DNA positions 684 to 685, TATAAGAGACA inserted.
Protein change: p.Val229fs; shifts the reading frame from valine 229.
Molecular consequence: frameshift variant.
Genome position: GRCh38 VCF-style: chr10-124403884-C-CTGTCTCTTATA. GRCh37 (hg19) VCF-style: chr10-126092453-C-CTGTCTCTTATA.
Other names: c.270_271insTATAAGAGACA, p.Val91fs (NM_001171814.2); c.684_685insTATAAGAGACA, p.Val229fs (NM_001322965.2, NM_001322966.2, NM_001322967.2 and 3 more transcripts); c.363_364insTATAAGAGACA, p.Val122fs (NM_001322971.2); c.84_85insTATAAGAGACA, p.Val29fs (NM_001322974.2); short protein forms V122fs, V229fs, V29fs, V91fs.
Identifiers: ClinVar variation 5011000 (VCV005011000.1).
Genomic context (GRCh38, chr10:124,403,884, plus strand): 5'-CTCCCATTAGGTAACCTGGATCCGGAACAACAACGCCTGCTTCACCCTGAATTGGTTCTA[C>CTGTCTCTTATA]CATGAACGCAGCCACATTTGGATCCTGAAGAGCACGCTACAGAAGAAACAGGAATAAGTT-3'

ClinVar aggregate classification (germline): Pathogenic (1 of 4 stars; one submission).

Conditions:
Ornithine aminotransferase deficiency (GACR). Also called: HYPERORNITHINEMIA WITH GYRATE ATROPHY OF CHOROID AND RETINA; OAT DEFICIENCY; OKT DEFICIENCY; Ornithine ketoacid aminotransferase deficiency; Gyrate atrophy; Gyrate atrophy of choroid and retina. Identifiers: Orphanet 414, MedGen C0018425, MONDO:0009796, OMIM 258870.

Submission:

Myriad Genetics, Inc.
Classification: Pathogenic for Ornithine aminotransferase deficiency. Last evaluated: 2024-05-14. Review status: criteria provided, single submitter. Criteria: Myriad Autosomal Dominant, Autosomal Recessive and X-Linked Classification Criteria (2023). Collection method: clinical testing. Allele origin: unknown.
Comment: NM_000274.3(OAT):c.684_685ins11(V229Yfs*5) is expected to be pathogenic in the context of ornithine aminotransferase deficiency. This variant is predicted to lead to an abnormal or absent protein product due to the creation of a premature termination codon in OAT, a gene where loss-of-function variants are known to be pathogenic. Please note: this variant was assessed in the context of healthy population screening.